The following is an entry in ClinVar:

NM_005458.8(GABBR2):c.2408C>G (p.Thr803Arg)

Gene: GABBR2 (gamma-aminobutyric acid type B receptor subunit 2; minus strand). Cytogenetic location: 9q22.33.
Variant type: single nucleotide variant.
Coding change: c.2408C>G on transcript NM_005458.8 (MANE Select); coding-DNA position 2408, C replaced by G.
Protein change: p.Thr803Arg; replaces threonine 803 with arginine.
Molecular consequence: missense variant.
Genome position (GRCh38, 1-based): chr9:98,303,245, G>C on the plus strand (C>G on the coding strand, the complement: GABBR2 is on the minus strand). VCF-style: chr9-98303245-G-C. GRCh37 (hg19) VCF-style: chr9-101065527-G-C.
Other names: short protein forms T803R.
Identifiers: ClinVar variation 4808841 (VCV004808841.1).

ClinVar aggregate classification (germline): Uncertain significance (1 of 4 stars; one submission).

Conditions:
Epileptic encephalopathy. Identifiers: MedGen C0543888, HP:0200134.

gnomAD v4.1: 2 of 1,613,838 alleles (0.00012%); highest among the groups gnomAD compares: Non-Finnish European, 0.00017%; no homozygotes.

Submission:

Labcorp Genetics (formerly Invitae), Labcorp
Classification: Uncertain significance for Epileptic encephalopathy. Last evaluated: 2025-06-10. Review status: criteria provided, single submitter. Criteria: Invitae Variant Classification Sherloc (09022015). Collection method: clinical testing. Allele origin: germline.
Comment: This sequence change replaces threonine, which is neutral and polar, with arginine, which is basic and polar, at codon 803 of the GABBR2 protein (p.Thr803Arg). This variant is present in population databases (no rsID available, gnomAD 0.0009%). This variant has not been reported in the literature in individuals affected with GABBR2-related conditions. Invitae Evidence Modeling of protein sequence and biophysical properties (such as structural, functional, and spatial information, amino acid conservation, physicochemical variation, residue mobility, and thermodynamic stability) indicates that this missense variant is not expected to disrupt GABBR2 protein function with a negative predictive value of 80%. In summary, the available evidence is currently insufficient to determine the role of this variant in disease. Therefore, it has been classified as a Variant of Uncertain Significance.